The following is an entry in ClinVar:

NM_172107.4(KCNQ2):c.1217+215C>T

Gene: KCNQ2 (potassium voltage-gated channel subfamily Q member 2; minus strand). Cytogenetic location: 20q13.33.
Variant type: single nucleotide variant.
Coding change: c.1217+215C>T on transcript NM_172107.4 (MANE Select); 215 bases into the intron after coding-DNA position 1217, C replaced by T.
Molecular consequence: intron variant.
Genome position (GRCh38, 1-based): chr20:63,428,152, G>A on the plus strand (C>T on the coding strand, the complement: KCNQ2 is on the minus strand). VCF-style: chr20-63428152-G-A. GRCh37 (hg19) VCF-style: chr20-62059505-G-A.
Other names: c.1187+215C>T (NM_004518.6); c.1217+215C>T (NM_172108.5, NM_172106.3).
Identifiers: ClinVar variation 682049 (VCV000682049.1), dbSNP rs6062931, ClinGen allele CA14782028.

ClinVar aggregate classification (germline): Benign (1 of 4 stars; one submission).

Allele frequency attached by ClinVar (database versions not stated): 1000 Genomes Project 0.12939; 1000 Genomes Project 30x 0.13039; TOPMed 0.19532; gnomAD 0.21121 and 0.21586.
gnomAD v4.1: 32,271 of 152,006 alleles (21%); highest among the groups gnomAD compares: Non-Finnish European, 30%; 4,131 homozygotes.

Submission:

GeneDx
Classification: Benign. Last evaluated: 2018-06-14. Review status: criteria provided, single submitter. Criteria: GeneDx Variant Classification (06012015). Collection method: clinical testing. Allele origin: germline. Affected: yes.
Comment: This variant is considered likely benign or benign based on one or more of the following criteria: it is a conservative change, it occurs at a poorly conserved position in the protein, it is predicted to be benign by multiple in silico algorithms, and/or has population frequency not consistent with disease.